The following is an entry in ClinVar:

ClinVar aggregate classification (germline): Uncertain significance (1 of 4 stars; one submission).

Allele frequency attached by ClinVar (database versions not stated): gnomAD exomes 0.00001; TOPMed 0.00001; gnomAD 0.00003.
gnomAD v4.1: 21 of 1,613,974 alleles (0.0013%); highest among the groups gnomAD compares: Non-Finnish European, 0.0015%; no homozygotes.

Submission:

Genetic Services Laboratory, University of Chicago
Classification: Uncertain significance. Last evaluated: 2019-12-16. Review status: criteria provided, single submitter. Criteria: ACMG Guidelines, 2015. Collection method: clinical testing. Allele origin: germline. Affected: no.
Comment: DNA sequence analysis of the INSR gene demonstrated a sequence change, c.386A>G, in exon 2 that results in an amino acid change, p.Lys129Arg. This sequence change does not appear to have been previously described in patients with INSR-related disorders and has been described in the gnomAD database with a low population frequency of 0.0023% in non-Finnish European subpopulation (dbSNP rs1310336610). The p.Lys129Arg change affects a moderately conserved amino acid residue located in a domain of the INSR protein that is not known to be functional. The p.Lys129Arg substitution appears to be benign using several in-silico pathogenicity prediction tools (SIFT, PolyPhen2, Align GVGD, REVEL). Due to these contrasting evidences and the lack of functional studies, the clinical significance of the p.Lys129Arg change remains unknown at this time.

NM_000208.4(INSR):c.386A>G (p.Lys129Arg)

Gene: INSR (insulin receptor; minus strand). Cytogenetic location: 19p13.2.
Variant type: single nucleotide variant.
Coding change: c.386A>G on transcript NM_000208.4 (MANE Select); coding-DNA position 386, A replaced by G.
Protein change: p.Lys129Arg; replaces lysine 129 with arginine.
Molecular consequence: missense variant.
Genome position (GRCh38, 1-based): chr19:7,267,611, T>C on the plus strand (A>G on the coding strand, the complement: INSR is on the minus strand). VCF-style: chr19-7267611-T-C. GRCh37 (hg19) VCF-style: chr19-7267622-T-C.
Other names: c.386A>G, p.Lys129Arg (NM_001079817.3); short protein forms K129R.
Identifiers: ClinVar variation 1337487 (VCV001337487.4), dbSNP rs1310336610, ClinGen allele CA403159597.